The following is an entry in ClinVar:

ClinVar aggregate classification (germline): Benign/Likely benign. Review status: criteria provided, multiple submitters, no conflicts (2 of 4 stars). 3 submissions from 3 submitters: Benign (1); Likely benign (2). Last evaluated 2024-06-26.

Conditions:
Hereditary cancer-predisposing syndrome. Also called: Tumor predisposition; Hereditary neoplastic syndrome; Neoplastic Syndromes, Hereditary; Hereditary Cancer Syndrome. Identifiers: Orphanet 140162, MedGen C0027672, MeSH D009386, MONDO:0015356.
Oligodontia-cancer predisposition syndrome. Also called: TOOTH AGENESIS-COLORECTAL CANCER SYNDROME. Identifiers: Orphanet 300576, MedGen C1837750, MONDO:0012075, OMIM 608615. Disease mechanism: loss of function.

Submissions (3):

Myriad Genetics, Inc.
Classification: Benign for Oligodontia-cancer predisposition syndrome. Last evaluated: 2024-06-26. Review status: criteria provided, single submitter. Criteria: Myriad Autosomal Dominant, Autosomal Recessive and X-Linked Classification Criteria (2023). Collection method: clinical testing. Allele origin: unknown.
Comment: This variant is considered benign. This variant is a silent/synonymous amino acid change and it is not expected to impact splicing.

Ambry Genetics
Classification: Likely benign for Hereditary cancer-predisposing syndrome. Last evaluated: 2023-12-21. Review status: criteria provided, single submitter. Criteria: Ambry Variant Classification Scheme 2023. Collection method: clinical testing. Allele origin: germline.

Labcorp Genetics (formerly Invitae), Labcorp
Classification: Likely benign for Oligodontia-cancer predisposition syndrome. Last evaluated: 2021-11-22. Review status: criteria provided, single submitter. Criteria: Invitae Variant Classification Sherloc (09022015). Collection method: clinical testing. Allele origin: germline.

NM_004655.4(AXIN2):c.321C>A (p.Thr107=)

Gene: AXIN2 (axin 2; minus strand). Cytogenetic location: 17q24.1.
Variant type: single nucleotide variant.
Coding change: c.321C>A on transcript NM_004655.4 (MANE Select); coding-DNA position 321, C replaced by A.
Protein change: p.Thr107=; no amino-acid change (threonine 107 retained).
Molecular consequence: synonymous variant.
Genome position (GRCh38, 1-based): chr17:65,558,300, G>T on the plus strand (C>A on the coding strand, the complement: AXIN2 is on the minus strand). VCF-style: chr17-65558300-G-T. GRCh37 (hg19) VCF-style: chr17-63554418-G-T.
Other names: c.321C>A (NM_004655.3); c.321C>A, p.Thr107= (NM_001363813.1).
Identifiers: ClinVar variation 1617913 (VCV001617913.10), dbSNP rs1060504492, ClinGen allele CA501691918.
Genomic context (GRCh38, chr17:65,558,300, plus strand): 5'-AGTTTTGGTATCCTTCAGGTTCATCTGCCTGAATCCATTGCAGGCAAACCAGAAGTCTAA[G>T]GTATCCACGCATTTCTCCCTCTCCAGGAAAGTTCGGAACAGGTAAGCACCGTCTTGATCG-3'
Protein context (NP_004646.3, residues 97-117): TFLEREKCVD[Thr107=]LDFWFACNGF